The following is an entry in ClinVar:

NM_001371986.1(UNC80):c.4100_4110+59del

Gene: UNC80 (unc-80 subunit of NALCN channel complex; plus strand). Cytogenetic location: 2q34.
Variant type: Deletion.
Coding change: c.4100_4110+59del on transcript NM_001371986.1 (MANE Select); coding-DNA position 4100 through 59 bases into the intron after coding-DNA position 4110, 70 bases deleted.
Molecular consequence: splice donor variant.
Genome position (GRCh38, 1-based): chr2:209,881,084-209,881,153, 70 bases deleted. GRCh37 (hg19): chr2:210,745,808-210,745,877.
Other names: c.4106_4116+59del (NM_032504.2); c.4091_4101+59del (NM_182587.4).
Identifiers: ClinVar variation 1493498 (VCV001493498.6), dbSNP rs2124895900, ClinGen allele CA2573135250.

ClinVar aggregate classification (germline): Likely pathogenic (1 of 4 stars; one submission).

Submission:

Labcorp Genetics (formerly Invitae), Labcorp
Classification: Likely pathogenic. Last evaluated: 2022-07-12. Review status: criteria provided, single submitter. Criteria: Invitae Variant Classification Sherloc (09022015). Collection method: clinical testing. Allele origin: germline.
Comment: This variant has not been reported in the literature in individuals affected with UNC80-related conditions. This variant is not present in population databases (gnomAD no frequency). This variant results in the deletion of part of exon 25 (c.4106_4116+59del) of the UNC80 gene. It is expected to disrupt RNA splicing. Variants that disrupt the donor or acceptor splice site typically lead to a loss of protein function (PMID: 16199547), and loss-of-function variants in UNC80 are known to be pathogenic (PMID: 26545877, 26708751, 26708753). ClinVar contains an entry for this variant (Variation ID: 1493498). In summary, the currently available evidence indicates that the variant is pathogenic, but additional data are needed to prove that conclusively. Therefore, this variant has been classified as Likely Pathogenic. Algorithms developed to predict the effect of sequence changes on RNA splicing suggest that this variant may disrupt the consensus splice site.

Literature cited by the submitters: PubMed 16199547; PubMed 26545877; PubMed 26708751; PubMed 26708753.